The following is an entry in ClinVar:

ClinVar aggregate classification (germline): Uncertain significance (1 of 4 stars; one submission).

Allele frequency attached by ClinVar (database versions not stated): gnomAD exomes below 0.00001; TOPMed below 0.00001; gnomAD 0.00001 and 0.00002.
gnomAD v4.1: 6 of 1,575,390 alleles (0.00038%); highest among the groups gnomAD compares: Middle Eastern, 0.018%; no homozygotes.

Submission:

Labcorp Genetics (formerly Invitae), Labcorp
Classification: Uncertain significance. Last evaluated: 2021-03-31. Review status: criteria provided, single submitter. Criteria: Invitae Variant Classification Sherloc (09022015). Collection method: clinical testing. Allele origin: germline.
Comment: Algorithms developed to predict the effect of missense changes on protein structure and function output the following: SIFT: "Tolerated"; PolyPhen-2: "Benign"; Align-GVGD: "Class C0". The leucine amino acid residue is found in multiple mammalian species, suggesting that this missense change does not adversely affect protein function. These predictions have not been confirmed by published functional studies and their clinical significance is uncertain. This sequence change replaces serine with leucine at codon 69 of the ARSG protein (p.Ser69Leu). The serine residue is weakly conserved and there is a large physicochemical difference between serine and leucine. This variant is not present in population databases (ExAC no frequency). This variant has not been reported in the literature in individuals with ARSG-related conditions. In summary, the available evidence is currently insufficient to determine the role of this variant in disease. Therefore, it has been classified as a Variant of Uncertain Significance.

NM_001267727.2(ARSG):c.206C>T (p.Ser69Leu)

Gene: ARSG (arylsulfatase G; plus strand). Cytogenetic location: 17q24.2.
Variant type: single nucleotide variant.
Coding change: c.206C>T on transcript NM_001267727.2 (MANE Select); coding-DNA position 206, C replaced by T.
Protein change: p.Ser69Leu; replaces serine 69 with leucine.
Molecular consequence: missense variant.
Genome position (GRCh38, 1-based): chr17:68,307,699, C>T. VCF-style: chr17-68307699-C-T. GRCh37 (hg19) VCF-style: chr17-66303840-C-T.
Other names: c.206C>T, p.Ser69Leu (NM_001352899.2, NM_001352900.2, NM_001352901.2 and 9 more transcripts); short protein forms S69L.
Identifiers: ClinVar variation 1521634 (VCV001521634.8), dbSNP rs1369350242, ClinGen allele CA400746473.
Genomic context (GRCh38, chr17:68,307,699, plus strand): 5'-GTGACCTGGGAGCAAACTGGGCAGAAACAAAGGACACTGCCAACCTTGATAAGATGGCTT[C>T]GGAGGGAATGAGGTGAGTCTTGAGATGCCAGGCCAGCCTTTCTTTGGATGTCTTACTCCC-3'
Protein context (NP_001254656.1, residues 59-79): KDTANLDKMA[Ser69Leu]EGMRFVDFHA